The following is an entry in ClinVar:

ClinVar aggregate classification (germline): Pathogenic. Review status: criteria provided, multiple submitters, no conflicts (2 of 4 stars). 2 submissions from 2 submitters: Pathogenic (2). Last evaluated 2024-01-26.
ClinVar aggregate classification (somatic clinical impact): Tier II - Potential (1 of 4 stars; one submission).

Conditions:
Hereditary cancer-predisposing syndrome. Also called: Tumor predisposition; Hereditary neoplastic syndrome; Neoplastic Syndromes, Hereditary; Hereditary Cancer Syndrome. Identifiers: Orphanet 140162, MedGen C0027672, MeSH D009386, MONDO:0015356.
Familial melanoma. Also called: Hereditary melanoma; Hereditary cutaneous melanoma. Identifiers: Orphanet 618, MedGen C1512419, MONDO:0018961.
Spindle cell sarcoma. Identifiers: MedGen C0205945, MeSH D012509, MONDO:0002927.

Submissions (6):

Institute for Genomic Medicine (IGM) Clinical Laboratory, Nationwide Children's Hospital
Classification: Tier II - Potential for Spindle cell sarcoma. Assertion type: diagnostic. Clinical significance: supports diagnosis. Last evaluated: 2025-01-16. Review status: criteria provided, single submitter. Criteria: AMP/ASCO/CAP Guidelines, 2017. Collection method: clinical testing. Allele origin: somatic. Affected: yes.
Comment: Variant has Tier II (potential) clinical significance as a diagnostic inclusion criterion in spindle cell sarcoma, based on the following evidence: 1) Documented in one or more cancer databases (e.g., St. Jude Pecan, COSMIC, CIViC, OncoKB). 2) Information in the literature supports potential biologic effect of variant (PMIDs: 21526190, 28982163). 3) Diagnostic significance based on multiple small studies (Evidence Level C; PMIDs: 35705560, 35705558).

Labcorp Genetics (formerly Invitae), Labcorp
Classification: Pathogenic for Familial melanoma. Last evaluated: 2024-01-26. Review status: criteria provided, single submitter. Criteria: Invitae Variant Classification Sherloc (09022015). Collection method: clinical testing. Allele origin: germline.
Comment: This variant, c.95_112del, results in the deletion of 6 amino acid(s) of the CDKN2A (p16INK4a) protein (p.Leu32_Leu37del), but otherwise preserves the integrity of the reading frame. This variant is not present in population databases (gnomAD no frequency). This variant has been observed in individual(s) with melanoma (PMID: 33050356). ClinVar contains an entry for this variant (Variation ID: 1409909). Experimental studies and prediction algorithms are not available or were not evaluated, and the functional significance of this variant is currently unknown. This variant disrupts a region of the CDKN2A (p16INK4a) protein in which other variant(s) (p.Gly35Ala) have been determined to be pathogenic (PMID: 8595405, 9425228, 12072543, 12556369, 19260062, 19759551, 21462282, 22841127). This suggests that this is a clinically significant region of the protein, and that variants that disrupt it are likely to be disease-causing. For these reasons, this variant has been classified as Pathogenic.

Ambry Genetics
Classification: Pathogenic for Hereditary cancer-predisposing syndrome. Last evaluated: 2021-02-18. Review status: criteria provided, single submitter. Criteria: Ambry Variant Classification Scheme 2023. Collection method: clinical testing. Allele origin: germline.
Comment: The c.95_112del18 pathogenic mutation (also known as p.L32_L37del) is located in coding exon 1 of the CDKN2A gene, results from an in-frame TGGAGGCGGGGGCGCTGC deletion at nucleotide positions 95 to 112. This results in the in-frame deletion of 6 amino acid residues at codons 32 to 37. This variant impacts a region that is known to be critical to protein function based on overlap with known likely pathogenic missense mutations. In addition, based on internal structural analysis, this variant disrupts protein structure (Byeon IJ et al. Mol Cell. 1998 Feb;1:421-31). As such, this alteration is interpreted as a disease-causing mutation.

Dr. Peter K. Rogan Lab, Western University
No classification provided (evidence only). Condition: Melanoma. Review status: no classification provided. Collection method: in vitro. Allele origin: not applicable. Functional consequence: retained intron. Not counted in ClinVar's aggregate classification.

Dr. Peter K. Rogan Lab, Western University
No classification provided (evidence only). Condition: Melanoma. Review status: no classification provided. Collection method: in vitro. Allele origin: not applicable. Functional consequence: retained intron. Not counted in ClinVar's aggregate classification.

Dr. Peter K. Rogan Lab, Western University
No classification provided (evidence only). Condition: Gastric cancer. Review status: no classification provided. Collection method: in vitro. Allele origin: not applicable. Functional consequence: retained intron. Not counted in ClinVar's aggregate classification.

Literature cited by the submitters: PubMed 21526190 (cited by Institute for Genomic Medicine (IGM) Clinical Laboratory, Nationwide Children's Hospital); PubMed 28982163 (cited by Institute for Genomic Medicine (IGM) Clinical Laboratory, Nationwide Children's Hospital); PubMed 35705560 (cited by Institute for Genomic Medicine (IGM) Clinical Laboratory, Nationwide Children's Hospital); PubMed 35705558 (cited by Institute for Genomic Medicine (IGM) Clinical Laboratory, Nationwide Children's Hospital); PubMed 33050356 (cited by Labcorp Genetics (formerly Invitae), Labcorp and Ambry Genetics); PubMed 8595405 (cited by Labcorp Genetics (formerly Invitae), Labcorp); PubMed 9425228 (cited by Labcorp Genetics (formerly Invitae), Labcorp); PubMed 12072543 (cited by Labcorp Genetics (formerly Invitae), Labcorp); PubMed 12556369 (cited by Labcorp Genetics (formerly Invitae), Labcorp); PubMed 19260062 (cited by Labcorp Genetics (formerly Invitae), Labcorp); PubMed 19759551 (cited by Labcorp Genetics (formerly Invitae), Labcorp); PubMed 21462282 (cited by Labcorp Genetics (formerly Invitae), Labcorp); PubMed 22841127 (cited by Labcorp Genetics (formerly Invitae), Labcorp); PubMed 9660926 (cited by Ambry Genetics).

NM_000077.5(CDKN2A):c.95_112del (p.Leu32_Leu37del)

Gene: CDKN2A (cyclin dependent kinase inhibitor 2A; minus strand). Cytogenetic location: 9p21.3.
Variant type: Deletion.
Coding change: c.95_112del on transcript NM_000077.5; coding-DNA positions 95 to 112, 18 bases deleted (TGGAGGCGGGGGCGCTGC).
Protein change: p.Leu32_Leu37del.
Molecular consequence: inframe indel (on NM_000077.4). On other transcripts: inframe deletion (2), intron variant (2).
Genome position (GRCh38, 1-based): chr9:21,974,716-21,974,733, GCAGCGCCCCCGCCTCCA deleted on the plus strand (TGGAGGCGGGGGCGCTGC on the coding strand, the reverse complement: CDKN2A is on the minus strand); deleting any 18 consecutive bases within chr9:21,974,716-21,974,742 gives the same sequence; the c. name uses the placement nearest the transcript's 3' end. VCF-style (leftmost placement, unchanged base first): chr9-21974715-GGCAGCGCCCCCGCCTCCA-G. GRCh37 (hg19) VCF-style: chr9-21974714-GGCAGCGCCCCCGCCTCCA-G.
Other names: NC_000009.11:g.21974724_21974741del; c.95_112del18 (NM_000077.4); c.86_103del18, p.Leu32_Leu37del (NM_000077.6); c.95_112del, p.Leu32_Leu37del (NM_001195132.2, NM_058197.5); c.-3-3525_-3-3508del (NM_001363763.2); c.194-3525_194-3508del (NM_058195.4).
Identifiers: ClinVar variation 1409909 (VCV001409909.12), dbSNP rs1819949737, ClinGen allele CA645552609.